The following is an entry in ClinVar:

ClinVar aggregate classification (germline): Uncertain significance (1 of 4 stars; one submission).

Allele frequency attached by ClinVar (database versions not stated): gnomAD exomes below 0.00001; gnomAD 0.00001; TOPMed 0.00002.
gnomAD v4.1: 5 of 1,612,444 alleles (0.00031%); highest among the groups gnomAD compares: African/African-American, 0.0067%; no homozygotes.

Submission:

Labcorp Genetics (formerly Invitae), Labcorp
Classification: Uncertain significance. Last evaluated: 2023-08-04. Review status: criteria provided, single submitter. Criteria: Invitae Variant Classification Sherloc (09022015). Collection method: clinical testing. Allele origin: germline.
Comment: In summary, the available evidence is currently insufficient to determine the role of this variant in disease. Therefore, it has been classified as a Variant of Uncertain Significance. Advanced modeling of protein sequence and biophysical properties (such as structural, functional, and spatial information, amino acid conservation, physicochemical variation, residue mobility, and thermodynamic stability) performed at Invitae indicates that this missense variant is expected to disrupt STIL protein function. ClinVar contains an entry for this variant (Variation ID: 1910179). This variant has not been reported in the literature in individuals affected with STIL-related conditions. This variant is present in population databases (no rsID available, gnomAD 0.007%). This sequence change replaces glutamine, which is neutral and polar, with proline, which is neutral and non-polar, at codon 289 of the STIL protein (p.Gln289Pro).

NM_001048166.1(STIL):c.866A>C (p.Gln289Pro)

Gene: STIL (STIL centriolar assembly protein; minus strand). Cytogenetic location: 1p33.
Variant type: single nucleotide variant.
Coding change: c.866A>C on transcript NM_001048166.1 (MANE Select); coding-DNA position 866, A replaced by C.
Protein change: p.Gln289Pro; replaces glutamine 289 with proline.
Molecular consequence: missense variant.
Genome position (GRCh38, 1-based): chr1:47,293,464, T>G on the plus strand (A>C on the coding strand, the complement: STIL is on the minus strand). VCF-style: chr1-47293464-T-G. GRCh37 (hg19) VCF-style: chr1-47759136-T-G.
Other names: c.866A>C, p.Gln289Pro (NM_001282936.1, NM_001282937.1, NM_003035.2); c.725A>C, p.Gln242Pro (NM_001282938.1, NM_001282939.1, NM_001377417.1); short protein forms Q289P, Q242P.
Identifiers: ClinVar variation 1910179 (VCV001910179.5), dbSNP rs1330029712, ClinGen allele CA340251447.
Genomic context (GRCh38, chr1:47,293,464, plus strand): 5'-TATGAATGGGGGAAAGGATCGAAATAAAGTACTACAGAATAAAATATCACTTGCCTTTCT[T>G]GAACAGAAGAATTGAATATGTATCGCAAACAGCAAGCCCATACCTGAGGACTATAGATAT-3'
Protein context (NP_001041631.1, residues 279-299): CLRYIFNSSV[Gln289Pro]ERVFSESGNF